The following is an entry in ClinVar:

ClinVar aggregate classification (germline): Conflicting classifications of pathogenicity. Review status: criteria provided, conflicting classifications (1 of 4 stars). 2 submissions from 2 submitters: Likely pathogenic (1); Uncertain significance (1). Last evaluated 2023-04-01.

Conditions:
Megalencephaly-polymicrogyria-polydactyly-hydrocephalus syndrome 2 (MPPH2). Also called: MEGALENCEPHALY-POLYMICROGYRIA-POLYDACTYLY-HYDROCEPHALUS SYNDROME 2, SOMATIC. Identifiers: Orphanet 83473, MedGen C4014738, MONDO:0014407, OMIM 615937.

Submissions (2):

CeGaT Center for Human Genetics Tuebingen
Classification: Likely pathogenic. Last evaluated: 2023-04-01. Review status: criteria provided, single submitter. Criteria: CeGaT Center For Human Genetics Tuebingen Variant Classification Criteria Version 2. Collection method: clinical testing. Allele origin: germline. Affected: yes. Observed: 1 variant allele.
Comment: AKT3: PM2, PS2:Moderate, PP2, PP4, PS4:Supporting

Labcorp Genetics (formerly Invitae), Labcorp
Classification: Uncertain significance for Megalencephaly-polymicrogyria-polydactyly-hydrocephalus syndrome 2. Last evaluated: 2019-07-23. Review status: criteria provided, single submitter. Criteria: Invitae Variant Classification Sherloc (09022015). Collection method: clinical testing. Allele origin: germline.
Comment: This variant is not present in population databases (ExAC no frequency). This variant has not been reported in the literature in individuals with AKT3-related conditions. Algorithms developed to predict the effect of missense changes on protein structure and function are either unavailable or do not agree on the potential impact of this missense change (SIFT: "Deleterious"; PolyPhen-2: "Possibly Damaging"; Align-GVGD: "Class C0"). In summary, the available evidence is currently insufficient to determine the role of this variant in disease. Therefore, it has been classified as a Variant of Uncertain Significance. This sequence change replaces proline with leucine at codon 466 of the AKT3 protein (p.Pro466Leu). The proline residue is highly conserved and there is a moderate physicochemical difference between proline and leucine.

NM_005465.7(AKT3):c.1397C>T (p.Pro466Leu)

Gene: AKT3 (AKT serine/threonine kinase 3; minus strand). Cytogenetic location: 1q44.
Variant type: single nucleotide variant.
Coding change: c.1397C>T on transcript NM_005465.7 (MANE Select); coding-DNA position 1397, C replaced by T.
Protein change: p.Pro466Leu; replaces proline 466 with leucine.
Molecular consequence: missense variant. On other transcripts: intron variant (2).
Genome position (GRCh38, 1-based): chr1:243,505,292, G>A on the plus strand (C>T on the coding strand, the complement: AKT3 is on the minus strand). VCF-style: chr1-243505292-G-A. GRCh37 (hg19) VCF-style: chr1-243668594-G-A.
Other names: c.1397C>T, p.Pro466Leu (NM_001370074.1); c.1355-5506C>T (NM_181690.2, NM_001206729.2); short protein forms P466L.
Identifiers: ClinVar variation 958474 (VCV000958474.36), dbSNP rs1669592664, ClinGen allele CA345668451.